The following is an entry in ClinVar:

NM_152564.5(VPS13B):c.8310A>G (p.Ser2770=)

Gene: VPS13B (vacuolar protein sorting 13 homolog B; plus strand). Cytogenetic location: 8q22.2.
Variant type: single nucleotide variant.
Coding change: c.8310A>G on transcript NM_152564.5 (MANE Select); coding-DNA position 8310, A replaced by G.
Protein change: p.Ser2770=; no amino-acid change (serine 2770 retained).
Molecular consequence: synonymous variant.
Genome position (GRCh38, 1-based): chr8:99,817,752, A>G. VCF-style: chr8-99817752-A-G. GRCh37 (hg19) VCF-style: chr8-100829980-A-G.
Other names: c.8385A>G, p.Ser2795= (NM_017890.5); c.8310A>G (NM_152564.4).
Identifiers: ClinVar variation 1541853 (VCV001541853.9), dbSNP rs982023622, ClinGen allele CA182327411.

ClinVar aggregate classification (germline): Likely benign. Review status: criteria provided, multiple submitters, no conflicts (2 of 4 stars). 2 submissions from 2 submitters: Likely benign (2). Last evaluated 2025-12-15.

Conditions:
Cohen syndrome (COH1). Also called: Cutis verticis gyrata, retinitis pigmentosa, and sensorineural deafness; PEPPER SYNDROME. Identifiers: Orphanet 193, MedGen C0265223, MONDO:0008999, OMIM 216550.
VPS13B-related disorder. Also called: VPS13B-related condition.

Allele frequency attached by ClinVar (database versions not stated): gnomAD 0.00001; gnomAD exomes 0.00001; TOPMed 0.00002.
gnomAD v4.1: 9 of 1,614,012 alleles (0.00056%); highest among the groups gnomAD compares: East Asian, 0.0022%; no homozygotes.

Submissions (2):

PreventionGenetics, part of Exact Sciences
Classification: Likely benign for VPS13B-related condition. Last evaluated: 2025-12-15. Review status: criteria provided, single submitter. Criteria: ACMG Guidelines, 2015. Collection method: clinical testing. Allele origin: germline.
Comment: This variant is classified as likely benign based on ACMG/AMP sequence variant interpretation guidelines (Richards et al. 2015 PMID: 25741868, with internal and published modifications).

Labcorp Genetics (formerly Invitae), Labcorp
Classification: Likely benign for Cohen syndrome. Last evaluated: 2025-07-30. Review status: criteria provided, single submitter. Criteria: Invitae Variant Classification Sherloc (09022015). Collection method: clinical testing. Allele origin: germline.